The following is an entry in ClinVar:

NM_000340.2(SLC2A2):c.59G>A (p.Gly20Asp)

Gene: SLC2A2 (solute carrier family 2 member 2; minus strand). Cytogenetic location: 3q26.2.
Variant type: single nucleotide variant.
Coding change: c.59G>A on transcript NM_000340.2 (MANE Select); coding-DNA position 59, G replaced by A.
Protein change: p.Gly20Asp; replaces glycine 20 with aspartic acid.
Molecular consequence: missense variant. On other transcripts: 5 prime UTR variant (2).
Genome position (GRCh38, 1-based): chr3:171,018,580, C>T on the plus strand (G>A on the coding strand, the complement: SLC2A2 is on the minus strand). VCF-style: chr3-171018580-C-T. GRCh37 (hg19) VCF-style: chr3-170736369-C-T.
Other names: c.-36G>A (NM_001278658.2); c.-336G>A (NM_001278659.2); short protein forms G20D.
Identifiers: ClinVar variation 2577276 (VCV002577276.1), dbSNP rs761992056, ClinGen allele CA2702775.

ClinVar aggregate classification (germline): Likely pathogenic (1 of 4 stars; one submission).

Conditions:
Fanconi-Bickel syndrome (FBS). Also called: FANCONI SYNDROME WITH INTESTINAL MALABSORPTION AND GALACTOSE INTOLERANCE; HEPATIC GLYCOGENOSIS WITH AMINO ACIDURIA AND GLUCOSURIA; HEPATIC GLYCOGENOSIS WITH FANCONI NEPHROPATHY; HEPATORENAL GLYCOGENOSIS WITH RENAL FANCONI SYNDROME; PSEUDO-PHLORIZIN DIABETES; Glycogen storage disease due to GLUT2 deficiency. Identifiers: Orphanet 2088, MedGen C3495427, MONDO:0009216, OMIM 227810.

Allele frequency attached by ClinVar (database versions not stated): gnomAD exomes below 0.00001; ExAC 0.00002.
gnomAD v4.1: 2 of 1,613,970 alleles (0.00012%); highest among the groups gnomAD compares: Non-Finnish European, 0.00017%; no homozygotes.

Submission:

Women's Health and Genetics/Laboratory Corporation of America, LabCorp
Classification: Likely pathogenic for Fanconi-Bickel syndrome. Last evaluated: 2023-07-25. Review status: criteria provided, single submitter. Criteria: LabCorp Variant Classification Summary - May 2015. Collection method: clinical testing. Allele origin: germline.
Comment: Variant summary: SLC2A2 c.59G>A (p.Gly20Asp) results in a non-conservative amino acid change located in the Major facilitator superfamily domain (IPR020846) of the encoded protein sequence. Four of five in-silico tools predict a damaging effect of the variant on protein function. The variant allele was found at a frequency of 8e-06 in 251128 control chromosomes. To our knowledge, no occurrence of c.59G>A in individuals affected with Fanconi-Bickel syndrome has been reported. At least one publication reports experimental evidence evaluating an impact on protein function showing lack of expression of the protein resulting in decrease of glucose transport(Michau_2013). The following publication have been ascertained in the context of this evaluation (PMID: 23986439). No submitters have cited clinical-significance assessments for this variant to ClinVar after 2014. Based on the evidence outlined above, the variant was classified as likely pathogenic.

Literature cited by the submitters: PubMed 23986439.